The following is an entry in ClinVar:

ClinVar aggregate classification (germline): Uncertain significance. Review status: criteria provided, multiple submitters, no conflicts (2 of 4 stars). 3 submissions from 3 submitters: Uncertain significance (3). Last evaluated 2026-02-24.

Conditions:
Cardiovascular phenotype. Identifiers: MedGen CN230736.
Hypertrophic cardiomyopathy 14. Identifiers: MedGen C2750467, MONDO:0013197, OMIM 613251.

Allele frequency attached by ClinVar (database versions not stated): gnomAD exomes below 0.00001; TOPMed 0.00001.
gnomAD v4.1: 6 of 1,613,510 alleles (0.00037%); highest among the groups gnomAD compares: African/African-American, 0.008%; no homozygotes.

Submissions (3):

Women's Health and Genetics/Laboratory Corporation of America, LabCorp
Classification: Uncertain significance. Last evaluated: 2026-02-24. Review status: criteria provided, single submitter. Criteria: LabCorp Variant Classification Summary - May 2015. Collection method: clinical testing. Allele origin: germline.
Comment: Variant summary: MYH6 c.4708A>G (p.Ile1570Val) results in a conservative amino acid change in the encoded protein sequence. Algorithms developed to predict the effect of missense changes on protein structure and function all suggest that this variant is likely to be tolerated. The variant was absent in 251198 control chromosomes. The available data on variant occurrences in the general population are insufficient to allow any conclusion about variant significance. c.4708A>G has been observed in at least one individual affected with dilated cardiomyopathy without strong evidence of causality (example: Burstein_2021). This report does do not provide unequivocal conclusions about association of the variant with Cardiomyopathy. To our knowledge, no experimental evidence demonstrating an impact on protein function has been reported. The following publication has been ascertained in the context of this evaluation (PMID: 32746448). ClinVar contains an entry for this variant (Variation ID: 948570). Based on the evidence outlined above, the variant was classified as uncertain significance.

Labcorp Genetics (formerly Invitae), Labcorp
Classification: Uncertain significance for Hypertrophic cardiomyopathy 14. Last evaluated: 2023-12-11. Review status: criteria provided, single submitter. Criteria: Invitae Variant Classification Sherloc (09022015). Collection method: clinical testing. Allele origin: germline.
Comment: This sequence change replaces isoleucine, which is neutral and non-polar, with valine, which is neutral and non-polar, at codon 1570 of the MYH6 protein (p.Ile1570Val). The frequency data for this variant in the population databases is considered unreliable, as metrics indicate poor data quality at this position in the gnomAD database. This missense change has been observed in individual(s) with dilated cardiomyopathy (PMID: 32746448). ClinVar contains an entry for this variant (Variation ID: 948570). Advanced modeling of protein sequence and biophysical properties (such as structural, functional, and spatial information, amino acid conservation, physicochemical variation, residue mobility, and thermodynamic stability) performed at Invitae indicates that this missense variant is not expected to disrupt MYH6 protein function with a negative predictive value of 80%. In summary, the available evidence is currently insufficient to determine the role of this variant in disease. Therefore, it has been classified as a Variant of Uncertain Significance.

Ambry Genetics
Classification: Uncertain significance for Cardiovascular phenotype. Last evaluated: 2023-07-11. Review status: criteria provided, single submitter. Criteria: Ambry Variant Classification Scheme 2023. Collection method: clinical testing. Allele origin: germline.
Comment: The p.I1570V variant (also known as c.4708A>G), located in coding exon 31 of the MYH6 gene, results from an A to G substitution at nucleotide position 4708. The isoleucine at codon 1570 is replaced by valine, an amino acid with highly similar properties. This alteration has been reported in a pediatric cardiomyopathy cohort (Burstein DS et al. Pediatr Res, 2021 May;89:1470-1476). This amino acid position is not well conserved in available vertebrate species. In addition, this alteration is predicted to be tolerated by in silico analysis. Since supporting evidence is limited at this time, the clinical significance of this alteration remains unclear.

Literature cited by the submitters: PubMed 32746448 (cited by 3 submitters).

NM_002471.4(MYH6):c.4708A>G (p.Ile1570Val)

Genes: MYH6 (myosin heavy chain 6; minus strand), LOC126861896 (BRD4-independent group 4 enhancer GRCh37_chr14:23854904-23856103; plus strand). Cytogenetic location: 14q11.2.
Variant type: single nucleotide variant.
Coding change: c.4708A>G on transcript NM_002471.4 (MANE Select); coding-DNA position 4708, A replaced by G.
Protein change: p.Ile1570Val; replaces isoleucine 1570 with valine.
Molecular consequence: missense variant.
Genome position (GRCh38, 1-based): chr14:23,386,566, T>C on the plus strand (A>G on the coding strand, the complement: MYH6 is on the minus strand). VCF-style: chr14-23386566-T-C. GRCh37 (hg19) VCF-style: chr14-23855775-T-C.
Other names: short protein forms I1570V.
Identifiers: ClinVar variation 948570 (VCV000948570.13), dbSNP rs1258827113, ClinGen allele CA388992847.